The following is an entry in ClinVar:

NM_006180.6(NTRK2):c.700A>T (p.Asn234Tyr)

Gene: NTRK2 (neurotrophic receptor tyrosine kinase 2; plus strand). Cytogenetic location: 9q21.33.
Variant type: single nucleotide variant.
Coding change: c.700A>T on transcript NM_006180.6 (MANE Select); coding-DNA position 700, A replaced by T.
Protein change: p.Asn234Tyr; replaces asparagine 234 with tyrosine.
Molecular consequence: missense variant.
Genome position (GRCh38, 1-based): chr9:84,723,689, A>T. VCF-style: chr9-84723689-A-T. GRCh37 (hg19) VCF-style: chr9-87338604-A-T.
Other names: c.700A>T, p.Asn234Tyr (NM_001007097.3, NM_001018064.3, NM_001018065.2 and 18 more transcripts); c.232A>T, p.Asn78Tyr (NM_001369535.1, NM_001369536.1, NM_001369550.1 and 2 more transcripts); short protein forms N234Y, N78Y.
Identifiers: ClinVar variation 5001290 (VCV005001290.1).

ClinVar aggregate classification (germline): Uncertain significance (1 of 4 stars; one submission).

Conditions:
NTRK2-related disorder. Also called: NTRK2-related condition.

Submission:

PreventionGenetics, part of Exact Sciences
Classification: Uncertain significance for NTRK2-related condition. Last evaluated: 2025-05-20. Review status: criteria provided, single submitter. Criteria: ACMG Guidelines, 2015. Collection method: clinical testing. Allele origin: germline.
Comment: The NTRK2 c.700A>T variant is predicted to result in the amino acid substitution p.Asn234Tyr. To our knowledge, this variant has not been reported in the literature or in a large population database (gnomAD), indicating this variant is rare. At this time, the clinical significance of this variant is uncertain due to the absence of conclusive functional and genetic evidence.